The following is an entry in ClinVar:

ClinVar aggregate classification (germline): Benign/Likely benign. Review status: criteria provided, multiple submitters, no conflicts (2 of 4 stars). 9 submissions from 9 submitters: Benign (4); Likely benign (4). 1 of the submissions does not count toward it. Last evaluated 2026-01-20.

Conditions:
COCH-related disorder. Also called: COCH-related condition.
Autosomal dominant nonsyndromic hearing loss 9. Identifiers: Orphanet 90635, MedGen C1832425, MONDO:0011058, OMIM 601369.

Allele frequency attached by ClinVar (database versions not stated): 1000 Genomes Project 30x 0.00016; 1000 Genomes Project 0.00020; gnomAD 0.00239 and 0.00245; TOPMed 0.00255; gnomAD exomes 0.00267 and 0.00389; ExAC 0.00308; ESP Exome Variant Server 0.00331.
gnomAD v4.1: 5,989 of 1,614,120 alleles (0.37%); highest among the groups gnomAD compares: Non-Finnish European, 0.46%; 15 homozygotes.

Submissions (9):

Labcorp Genetics (formerly Invitae), Labcorp
Classification: Benign. Last evaluated: 2026-01-20. Review status: criteria provided, single submitter. Criteria: Invitae Variant Classification Sherloc (09022015). Collection method: clinical testing. Allele origin: germline.

CeGaT Center for Human Genetics Tuebingen
Classification: Likely benign. Last evaluated: 2025-05-01. Review status: criteria provided, single submitter. Criteria: CeGaT Center For Human Genetics Tuebingen Variant Classification Criteria Version 2. Collection method: clinical testing. Allele origin: germline. Affected: yes. Observed: 2 variant alleles.
Comment: COCH: BS2

Blueprint Genetics
Classification: Likely benign. Last evaluated: 2024-11-25. Review status: criteria provided, single submitter. Criteria: ACMG Guidelines, 2015. Collection method: clinical testing. Allele origin: germline.

Athena Diagnostics
Classification: Benign. Last evaluated: 2020-04-13. Review status: criteria provided, single submitter. Criteria: Athena Diagnostics Criteria. Collection method: clinical testing. Allele origin: unknown.

GeneDx
Classification: Benign. Last evaluated: 2019-07-01. Review status: criteria provided, single submitter. Criteria: GeneDx Variant Classification Process June 2021. Collection method: clinical testing. Allele origin: germline. Affected: yes.
Comment: This variant is associated with the following publications: (PMID: 26351166)

Illumina Laboratory Services, Illumina
Classification: Likely benign for Autosomal dominant nonsyndromic hearing loss 9. Last evaluated: 2018-01-12. Review status: criteria provided, single submitter. Criteria: ICSL Variant Classification Criteria 13 December 2019. Collection method: clinical testing. Allele origin: germline.
Comment: This variant was observed in the ICSL laboratory as part of a predisposition screen in an ostensibly healthy population. It had not been previously curated by ICSL or reported in the Human Gene Mutation Database (HGMD: prior to June 1st, 2018), and was therefore a candidate for classification through an automated scoring system. Utilizing variant allele frequency, disease prevalence and penetrance estimates, and inheritance mode, an automated score was calculated to assess if this variant is too frequent to cause the disease. Based on the score and internal cut-off values, a variant classified as likely benign is not then subjected to further curation. The score for this variant resulted in a classification of likely benign for this disease.

Laboratory for Molecular Medicine, Mass General Brigham Personalized Medicine
Classification: Benign. Last evaluated: 2012-04-30. Review status: criteria provided, single submitter. Criteria: LMM Criteria. Collection method: clinical testing. Allele origin: germline. Observed: 6 variant alleles.
Comment: Tyr424Asp in Exon 11 of COCH: This variant is not expected to have clinical sign ificance because it has been identified in 0.5% (37/7020) of European American c hromosomes from a broad population by the NHLBI Exome Sequencing Project (dbSNP rs61759484).

Breakthrough Genomics
Classification: Likely benign. Review status: criteria provided, single submitter. Criteria: ACMG Guidelines, 2015. Collection method: not provided. Allele origin: germline. Inheritance: Autosomal recessive inheritance. Affected: yes.

PreventionGenetics, part of Exact Sciences
Classification: Likely benign for COCH-related condition. Last evaluated: 2020-03-10. Review status: no assertion criteria provided. Collection method: clinical testing. Allele origin: germline. Not counted in ClinVar's aggregate classification.
Comment: This variant is classified as likely benign based on ACMG/AMP sequence variant interpretation guidelines (Richards et al. 2015 PMID: 25741868, with internal and published modifications).

NM_004086.3(COCH):c.1270T>G (p.Tyr424Asp)

Genes: COCH (cochlin; plus strand), COCH-AS1 (COCH antisense RNA 1; minus strand). Cytogenetic location: 14q12.
Variant type: single nucleotide variant.
Coding change: c.1270T>G on transcript NM_004086.3 (MANE Select); coding-DNA position 1270, T replaced by G.
Protein change: p.Tyr424Asp; replaces tyrosine 424 with aspartic acid.
Molecular consequence: missense variant. On other transcripts: non-coding transcript variant (1).
Genome position (GRCh38, 1-based): chr14:30,886,105, T>G. VCF-style: chr14-30886105-T-G. GRCh37 (hg19) VCF-style: chr14-31355311-T-G.
Other names: c.1270T>G, p.Tyr424Asp (NM_001135058.2); c.1465T>G, p.Tyr489Asp (NM_001347720.2); c.1270T>G (NM_001135058.1); short protein forms Y424D, Y489D.
Identifiers: ClinVar variation 226527 (VCV000226527.44), dbSNP rs61759484, ClinGen allele CA7143296.